The following is an entry in ClinVar:

ClinVar aggregate classification (germline): Uncertain significance (1 of 4 stars; one submission).

Submission:

Labcorp Genetics (formerly Invitae), Labcorp
Classification: Uncertain significance. Last evaluated: 2023-12-11. Review status: criteria provided, single submitter. Criteria: Invitae Variant Classification Sherloc (09022015). Collection method: clinical testing. Allele origin: germline.
Comment: This sequence change replaces lysine, which is basic and polar, with asparagine, which is neutral and polar, at codon 192 of the PTPN23 protein (p.Lys192Asn). This variant is not present in population databases (gnomAD no frequency). This variant has not been reported in the literature in individuals affected with PTPN23-related conditions. ClinVar contains an entry for this variant (Variation ID: 2000737). Experimental studies and prediction algorithms are not available or were not evaluated, and the functional significance of this variant is currently unknown. In summary, the available evidence is currently insufficient to determine the role of this variant in disease. Therefore, it has been classified as a Variant of Uncertain Significance.

NM_015466.4(PTPN23):c.576G>C (p.Lys192Asn)

Gene: PTPN23 (protein tyrosine phosphatase non-receptor type 23; plus strand). Cytogenetic location: 3p21.31.
Variant type: single nucleotide variant.
Coding change: c.576G>C on transcript NM_015466.4 (MANE Select); coding-DNA position 576, G replaced by C.
Protein change: p.Lys192Asn; replaces lysine 192 with asparagine.
Molecular consequence: missense variant.
Genome position (GRCh38, 1-based): chr3:47,406,354, G>C. VCF-style: chr3-47406354-G-C. GRCh37 (hg19) VCF-style: chr3-47447844-G-C.
Other names: c.198G>C, p.Lys66Asn (NM_001304482.2); short protein forms K192N, K66N.
Identifiers: ClinVar variation 2000737 (VCV002000737.4), dbSNP rs2546239845, ClinGen allele CA352543809.
Genomic context (GRCh38, chr3:47,406,354, plus strand): 5'-GCGAGGGAGTGCACCTCACGTGTCGCCCCAGGGCCAGGCTCAGGAGTGCCTCCTGGAGAA[G>C]TCGATGTTGGACAACAGGAAGAGCTTTCTGGTGGCCCGCATCAGTGCACAGGTAGGGACG-3'
Protein context (NP_056281.1, residues 182-202): LGQAQECLLE[Lys192Asn]SMLDNRKSFL